The following is an entry in ClinVar:

NM_001321967.2(ATAD1):c.1013G>A (p.Arg338Gln)

Gene: ATAD1 (ATPase family AAA domain containing 1; minus strand). Cytogenetic location: 10q23.31.
Variant type: single nucleotide variant.
Coding change: c.1013G>A on transcript NM_001321967.2 (MANE Select); coding-DNA position 1013, G replaced by A.
Protein change: p.Arg338Gln; replaces arginine 338 with glutamine.
Molecular consequence: missense variant. On other transcripts: non-coding transcript variant (1).
Genome position (GRCh38, 1-based): chr10:87,754,760, C>T on the plus strand (G>A on the coding strand, the complement: ATAD1 is on the minus strand). VCF-style: chr10-87754760-C-T. GRCh37 (hg19) VCF-style: chr10-89514517-C-T.
Other names: c.923G>A, p.Arg308Gln (NM_001321968.2); c.656G>A, p.Arg219Gln (NM_001321969.2); c.1013G>A, p.Arg338Gln (NM_032810.4); short protein forms R308Q, R219Q, R338Q.
Identifiers: ClinVar variation 1991299 (VCV001991299.3), dbSNP rs747078035, ClinGen allele CA5589901.

ClinVar aggregate classification (germline): Uncertain significance. Review status: criteria provided, multiple submitters, no conflicts (2 of 4 stars). 2 submissions from 2 submitters: Uncertain significance (2). Last evaluated 2024-11-09.

Conditions:
Inborn genetic diseases. Identifiers: MedGen C0950123, MeSH D030342.

Allele frequency attached by ClinVar (database versions not stated): gnomAD exomes 0.00002; TOPMed 0.00002; ExAC 0.00003; gnomAD 0.00005.
gnomAD v4.1: 35 of 1,613,454 alleles (0.0022%); highest among the groups gnomAD compares: East Asian, 0.027%; no homozygotes.

Submissions (2):

Ambry Genetics
Classification: Uncertain significance for Inborn genetic diseases. Last evaluated: 2024-11-09. Review status: criteria provided, single submitter. Criteria: Ambry Variant Classification Scheme 2023. Collection method: clinical testing. Allele origin: germline.

Labcorp Genetics (formerly Invitae), Labcorp
Classification: Uncertain significance. Last evaluated: 2022-08-14. Review status: criteria provided, single submitter. Criteria: Invitae Variant Classification Sherloc (09022015). Collection method: clinical testing. Allele origin: germline.
Comment: This sequence change replaces arginine, which is basic and polar, with glutamine, which is neutral and polar, at codon 338 of the ATAD1 protein (p.Arg338Gln). This variant is present in population databases (rs747078035, gnomAD 0.06%). This variant has not been reported in the literature in individuals affected with ATAD1-related conditions. Algorithms developed to predict the effect of missense changes on protein structure and function are either unavailable or do not agree on the potential impact of this missense change (SIFT: "Not Available"; PolyPhen-2: "Benign"; Align-GVGD: "Not Available"). In summary, the available evidence is currently insufficient to determine the role of this variant in disease. Therefore, it has been classified as a Variant of Uncertain Significance.